The following is an entry in ClinVar:

NM_001127178.3(PIGG):c.2891T>C (p.Ile964Thr)

Gene: PIGG (phosphatidylinositol glycan anchor biosynthesis class G (EMM blood group); plus strand). Cytogenetic location: 4p16.3.
Variant type: single nucleotide variant.
Coding change: c.2891T>C on transcript NM_001127178.3 (MANE Select); coding-DNA position 2891, T replaced by C.
Protein change: p.Ile964Thr; replaces isoleucine 964 with threonine.
Molecular consequence: missense variant. On other transcripts: non-coding transcript variant (10).
Genome position (GRCh38, 1-based): chr4:539,308, T>C. VCF-style: chr4-539308-T-C. GRCh37 (hg19) VCF-style: chr4-533097-T-C.
Other names: c.2624T>C, p.Ile875Thr (NM_001289051.2, NM_001345986.2); c.2492T>C, p.Ile831Thr (NM_001289052.2); c.2600T>C, p.Ile867Thr (NM_001345987.2); c.1862T>C, p.Ile621Thr (NM_001345988.2); c.1358T>C, p.Ile453Thr (NM_001345990.2, NM_001345991.2); c.1793T>C, p.Ile598Thr (NM_001345994.2); c.2867T>C, p.Ile956Thr (NM_017733.5); short protein forms I964T, I453T, I621T, I831T, I875T, I598T, I867T, I956T.
Identifiers: ClinVar variation 784792 (VCV000784792.13), dbSNP rs141963092, ClinGen allele CA2793783.

ClinVar aggregate classification (germline): Likely benign. Review status: criteria provided, single submitter (1 of 4 stars). 2 submissions from 2 submitters: Likely benign (1). 1 of the submissions does not count toward it. Last evaluated 2026-01-24.

Conditions:
Intellectual disability, autosomal recessive 53 (NEDHSCA). Also called: NEURODEVELOPMENTAL DISORDER WITH OR WITHOUT HYPOTONIA, SEIZURES, AND CEREBELLAR ATROPHY; GLYCOSYLPHOSPHATIDYLINOSITOL BIOSYNTHESIS DEFECT 13; Mental retardation, autosomal recessive 53. Identifiers: Orphanet 488635, MedGen C4310794, MONDO:0014832, OMIM 616917.
PIGG-related disorder. Also called: PIGG-related condition.

Allele frequency attached by ClinVar (database versions not stated): gnomAD 0.00016 and 0.00029; TOPMed 0.00022; gnomAD exomes 0.00042 and 0.00057; ExAC 0.00064; 1000 Genomes Project 30x 0.00172; 1000 Genomes Project 0.00180.

Submissions (2):

Labcorp Genetics (formerly Invitae), Labcorp
Classification: Likely benign for Intellectual disability, autosomal recessive 53. Last evaluated: 2026-01-24. Review status: criteria provided, single submitter. Criteria: Invitae Variant Classification Sherloc (09022015). Collection method: clinical testing. Allele origin: germline.

PreventionGenetics, part of Exact Sciences
Classification: Benign for PIGG-related condition. Last evaluated: 2019-05-28. Review status: no assertion criteria provided. Collection method: clinical testing. Allele origin: germline. Not counted in ClinVar's aggregate classification.
Comment: This variant is classified as benign based on ACMG/AMP sequence variant interpretation guidelines (Richards et al. 2015 PMID: 25741868, with internal and published modifications).